The following is an entry in ClinVar:

NM_001377540.1(SLMAP):c.1382A>C (p.Glu461Ala)

Gene: SLMAP (sarcolemma associated protein; plus strand). Cytogenetic location: 3p14.3.
Variant type: single nucleotide variant.
Coding change: c.1382A>C on transcript NM_001377540.1 (MANE Select); coding-DNA position 1382, A replaced by C.
Protein change: p.Glu461Ala; replaces glutamic acid 461 with alanine.
Molecular consequence: missense variant. On other transcripts: 5 prime UTR variant (7), non-coding transcript variant (1).
Genome position (GRCh38, 1-based): chr3:57,896,532, A>C. VCF-style: chr3-57896532-A-C. GRCh37 (hg19) VCF-style: chr3-57882259-A-C.
Other names: c.1331A>C, p.Glu444Ala (NM_001304420.3, NM_001377541.1, NM_001377542.1 and 2 more transcripts); c.1217A>C, p.Glu406Ala (NM_001304421.2, NM_001377557.1, NM_001377559.1 and 1 more transcripts); c.-68A>C (NM_001304422.3, NM_001304423.3, NM_001311178.2 and 4 more transcripts); c.1382A>C, p.Glu461Ala (NM_001377538.1, NM_001377539.1, NM_001377555.1); c.1319A>C, p.Glu440Ala (NM_001377545.1, NM_001377922.1); c.1280A>C, p.Glu427Ala (NM_001377549.1, NM_001377923.1, NM_007159.5); c.1268A>C, p.Glu423Ala (NM_001377551.1, NM_001377552.1, NM_001377924.1); short protein forms E427A, E406A, E444A, E423A, E440A, E461A.
Identifiers: ClinVar variation 411196 (VCV000411196.5), dbSNP rs901233405, ClinGen allele CA16611384.

ClinVar aggregate classification (germline): Uncertain significance (1 of 4 stars; one submission).

Conditions:
Brugada syndrome. Also called: Sudden unexpected nocturnal death syndrome; Sudden Unexplained Death Syndrome; Sudden Unexplained Nocturnal Death Syndrome (SUNDS); Sudden unexplained nocturnal death syndrome. Identifiers: Orphanet 130, MedGen C1142166, MONDO:0015263.

Submission:

Labcorp Genetics (formerly Invitae), Labcorp
Classification: Uncertain significance for Brugada syndrome. Last evaluated: 2022-03-18. Review status: criteria provided, single submitter. Criteria: Invitae Variant Classification Sherloc (09022015). Collection method: clinical testing. Allele origin: germline.
Comment: ClinVar contains an entry for this variant (Variation ID: 411196). In summary, the available evidence is currently insufficient to determine the role of this variant in disease. Therefore, it has been classified as a Variant of Uncertain Significance. Algorithms developed to predict the effect of missense changes on protein structure and function are either unavailable or do not agree on the potential impact of this missense change (SIFT: "Tolerated"; PolyPhen-2: "Probably Damaging"; Align-GVGD: "Class C0"). This variant has not been reported in the literature in individuals affected with SLMAP-related conditions. This variant is not present in population databases (gnomAD no frequency). This sequence change replaces glutamic acid, which is acidic and polar, with alanine, which is neutral and non-polar, at codon 427 of the SLMAP protein (p.Glu427Ala).